The following is an entry in ClinVar:

NM_018136.5(ASPM):c.676C>T (p.Pro226Ser)

Gene: ASPM (assembly factor for spindle microtubules; minus strand). Cytogenetic location: 1q31.3.
Variant type: single nucleotide variant.
Coding change: c.676C>T on transcript NM_018136.5 (MANE Select); coding-DNA position 676, C replaced by T.
Protein change: p.Pro226Ser; replaces proline 226 with serine.
Molecular consequence: missense variant.
Genome position (GRCh38, 1-based): chr1:197,143,576, G>A on the plus strand (C>T on the coding strand, the complement: ASPM is on the minus strand). VCF-style: chr1-197143576-G-A. GRCh37 (hg19) VCF-style: chr1-197112706-G-A.
Other names: c.676C>T, p.Pro226Ser (NM_001206846.2); short protein forms P226S.
Identifiers: ClinVar variation 877003 (VCV000877003.9), dbSNP rs147830520, ClinGen allele CA1310826.

ClinVar aggregate classification (germline): Uncertain significance. Review status: criteria provided, multiple submitters, no conflicts (2 of 4 stars). 4 submissions from 4 submitters: Uncertain significance (4). Last evaluated 2023-11-28.

Conditions:
Inborn genetic diseases. Identifiers: MedGen C0950123, MeSH D030342.
Microcephaly 5, primary, autosomal recessive (MCPH5). Also called: ASPM Primary Microcephaly. Identifiers: Orphanet 2512, MedGen C1837501, MONDO:0012106, OMIM 608716.

Allele frequency attached by ClinVar (database versions not stated): ESP Exome Variant Server 0.00008; ExAC 0.00009; gnomAD exomes 0.00015 and 0.00021; gnomAD 0.00019 and 0.00020; TOPMed 0.00023.

Submissions (4):

Labcorp Genetics (formerly Invitae), Labcorp
Classification: Uncertain significance. Last evaluated: 2023-11-28. Review status: criteria provided, single submitter. Criteria: Invitae Variant Classification Sherloc (09022015). Collection method: clinical testing. Allele origin: germline.
Comment: This sequence change replaces proline, which is neutral and non-polar, with serine, which is neutral and polar, at codon 226 of the ASPM protein (p.Pro226Ser). This variant is present in population databases (rs147830520, gnomAD 0.09%). This variant has not been reported in the literature in individuals affected with ASPM-related conditions. ClinVar contains an entry for this variant (Variation ID: 877003). Advanced modeling of protein sequence and biophysical properties (such as structural, functional, and spatial information, amino acid conservation, physicochemical variation, residue mobility, and thermodynamic stability) performed at Invitae indicates that this missense variant is not expected to disrupt ASPM protein function with a negative predictive value of 80%. In summary, the available evidence is currently insufficient to determine the role of this variant in disease. Therefore, it has been classified as a Variant of Uncertain Significance.

Genome-Nilou Lab
Classification: Uncertain significance for Microcephaly 5, primary, autosomal recessive. Last evaluated: 2023-04-11. Review status: criteria provided, single submitter. Criteria: ACMG Guidelines, 2015. Collection method: clinical testing. Allele origin: germline. Affected: no.

Ambry Genetics
Classification: Uncertain significance for Inborn genetic diseases. Last evaluated: 2021-07-08. Review status: criteria provided, single submitter. Criteria: Ambry Variant Classification Scheme 2023. Collection method: clinical testing. Allele origin: germline.

Illumina Laboratory Services, Illumina
Classification: Uncertain significance for Microcephaly 5, primary, autosomal recessive. Last evaluated: 2018-03-16. Review status: criteria provided, single submitter. Criteria: ICSL Variant Classification Criteria 13 December 2019. Collection method: clinical testing. Allele origin: germline.